The following is an entry in ClinVar:

NM_015059.3(TLN2):c.404C>T (p.Thr135Ile)

Gene: TLN2 (talin 2; plus strand). Cytogenetic location: 15q22.2.
Variant type: single nucleotide variant.
Coding change: c.404C>T on transcript NM_015059.3 (MANE Select); coding-DNA position 404, C replaced by T.
Protein change: p.Thr135Ile; replaces threonine 135 with isoleucine.
Molecular consequence: missense variant.
Genome position (GRCh38, 1-based): chr15:62,653,201, C>T. VCF-style: chr15-62653201-C-T. GRCh37 (hg19) VCF-style: chr15-62945400-C-T.
Other names: c.404C>T, p.Thr135Ile (NM_001394547.1); short protein forms T135I.
Identifiers: ClinVar variation 3898140 (VCV003898140.7).

ClinVar aggregate classification (germline): Benign (1 of 4 stars; one submission).

gnomAD v4.1: 580 of 1,605,560 alleles (0.036%); highest among the groups gnomAD compares: Non-Finnish European, 0.043%; 2 homozygotes.

Submission:

CeGaT Center for Human Genetics Tuebingen
Classification: Benign. Last evaluated: 2025-04-01. Review status: criteria provided, single submitter. Criteria: CeGaT Center For Human Genetics Tuebingen Variant Classification Criteria Version 2. Collection method: clinical testing. Allele origin: germline. Affected: yes. Observed: 1 variant allele.
Comment: TLN2: BS1, BS2